The following is an entry in ClinVar:

ClinVar aggregate classification (germline): Uncertain significance (1 of 4 stars; one submission).

Conditions:
Congenital myotonia, autosomal dominant form (THD). Also called: THOMSEN DISEASE; Myotonia congenita autosomal dominant. Identifiers: Orphanet 614, MedGen C2936781, MONDO:0008055, OMIM 160800.
Congenital myotonia, autosomal recessive form. Also called: BECKER DISEASE; Becker Generalized Myotonia; myotonia congenita, autosomal recessive. Identifiers: Orphanet 614, MedGen C0751360, MONDO:0009715, OMIM 255700.

Submission:

Labcorp Genetics (formerly Invitae), Labcorp
Classification: Uncertain significance for Congenital myotonia, autosomal recessive form; Congenital myotonia, autosomal dominant form. Last evaluated: 2025-04-15. Review status: criteria provided, single submitter. Criteria: Invitae Variant Classification Sherloc (09022015). Collection method: clinical testing. Allele origin: germline.
Comment: This sequence change replaces serine, which is neutral and polar, with tryptophan, which is neutral and slightly polar, at codon 651 of the CLCN1 protein (p.Ser651Trp). This variant is not present in population databases (gnomAD no frequency). This variant has not been reported in the literature in individuals affected with CLCN1-related conditions. Invitae Evidence Modeling of protein sequence and biophysical properties (such as structural, functional, and spatial information, amino acid conservation, physicochemical variation, residue mobility, and thermodynamic stability) indicates that this missense variant is expected to disrupt CLCN1 protein function with a positive predictive value of 80%. Algorithms developed to predict the effect of sequence changes on RNA splicing suggest that this variant may disrupt the consensus splice site. In summary, the available evidence is currently insufficient to determine the role of this variant in disease. Therefore, it has been classified as a Variant of Uncertain Significance.

NM_000083.3(CLCN1):c.1952C>G (p.Ser651Trp)

Genes: CLCN1 (chloride voltage-gated channel 1; plus strand), LOC123956257 (Sharpr-MPRA regulatory region 4117; plus strand). Cytogenetic location: 7q34.
Variant type: single nucleotide variant.
Coding change: c.1952C>G on transcript NM_000083.3 (MANE Select); coding-DNA position 1952, C replaced by G.
Protein change: p.Ser651Trp; replaces serine 651 with tryptophan.
Molecular consequence: missense variant. On other transcripts: non-coding transcript variant (1).
Genome position (GRCh38, 1-based): chr7:143,345,542, C>G. VCF-style: chr7-143345542-C-G. GRCh37 (hg19) VCF-style: chr7-143042635-C-G.
Other names: short protein forms S651W.
Identifiers: ClinVar variation 4791918 (VCV004791918.1).